The following is an entry in ClinVar:

ClinVar aggregate classification (germline): Uncertain significance. Review status: criteria provided, multiple submitters, no conflicts (2 of 4 stars). 2 submissions from 2 submitters: Uncertain significance (2). Last evaluated 2021-10-09.

Conditions:
Inborn genetic diseases. Identifiers: MedGen C0950123, MeSH D030342.
Hereditary sensory and autonomic neuropathy type 6. Also called: HSAN VI; Neuropathy, hereditary sensory and autonomic, type VI. Identifiers: Orphanet 314381, MedGen C3539003, MONDO:0013839, OMIM 614653.
Epidermolysis bullosa simplex 3, localized or generalized intermediate, with BP230 deficiency (EBS3). Also called: Epidermolysis bullosa simplex due to BP230 deficiency; Epidermolysis bullosa simplex, autosomal recessive 2. Identifiers: Orphanet 412181, MedGen C3809470, MONDO:0014180, OMIM 615425.

Submissions (2):

Labcorp Genetics (formerly Invitae), Labcorp
Classification: Uncertain significance for Epidermolysis bullosa simplex 3, localized or generalized intermediate, with BP230 deficiency; Hereditary sensory and autonomic neuropathy type 6. Last evaluated: 2021-10-09. Review status: criteria provided, single submitter. Criteria: Invitae Variant Classification Sherloc (09022015). Collection method: clinical testing. Allele origin: germline.
Comment: This sequence change replaces alanine with leucine at codon 1796 of the DST protein (p.Ala1796Leu). The DST gene has multiple clinically relevant transcripts. This variant occurs in alternate transcript NM_015548.4, and corresponds to NM_001723.5:c.*42471_*42472delinsTT in the primary transcript. The frequency data for this variant in the population databases is not available, as this variant may be reported as separate entries in the ExAC database. This variant has not been reported in the literature in individuals affected with DST-related conditions. Experimental studies and prediction algorithms are not available or were not evaluated, and the functional significance of this variant is currently unknown. In summary, the available evidence is currently insufficient to determine the role of this variant in disease. Therefore, it has been classified as a Variant of Uncertain Significance.

Ambry Genetics
Classification: Uncertain significance for Inborn genetic diseases. Last evaluated: 2019-11-15. Review status: criteria provided, single submitter. Criteria: Ambry Variant Classification Scheme 2023. Collection method: clinical testing. Allele origin: germline.
Comment: The c.6898_6899delGCinsTT variant (also known as p.A2300L), located in coding exon 46 of the DST gene, results from an in-frame deletion of GC and insertion of TT at nucleotide positions 6898 to 6899. This results in the substitution of the alanine residue for a leucine residue at codon 2300, an amino acid with similar properties. This amino acid position is not well conserved in available vertebrate species. Since supporting evidence is limited at this time, the clinical significance of this alteration remains unclear.

NM_001374736.1(DST):c.13255_13256delinsTT (p.Ala4419Leu)

Gene: DST (dystonin; minus strand). Cytogenetic location: 6p12.1.
Variant type: Indel.
Coding change: c.13255_13256delinsTT on transcript NM_001374736.1 (MANE Select); coding-DNA positions 13255 to 13256, GC replaced by TT.
Protein change: p.Ala4419Leu; replaces alanine 4419 with leucine.
Molecular consequence: missense variant.
Genome position (GRCh38, 1-based): chr6:56,573,045-56,573,046, GC replaced by AA on the plus strand (GC replaced by TT on the coding strand, the reverse complement: DST is on the minus strand). VCF-style: chr6-56573045-GC-AA. GRCh37 (hg19) VCF-style: chr6-56437843-GC-AA.
Other names: c.6898_6899delinsTT, p.Ala2300Leu (NM_001144769.5); c.6484_6485delinsTT, p.Ala2162Leu (NM_001144770.2); c.13255_13256delinsTT, p.Ala4419Leu (NM_001374722.1); c.12622_12623delinsTT, p.Ala4208Leu (NM_001374729.1); c.6364_6365delinsTT, p.Ala2122Leu (NM_001374730.1, NM_001386100.1, NM_183380.4); c.13282_13283delinsTT, p.Ala4428Leu (NM_001374734.1); c.5386_5387delinsTT, p.Ala1796Leu (NM_015548.5); short protein forms A2122L, A2162L, A2300L, A1796L, A4208L, A4419L, A4428L.
Identifiers: ClinVar variation 1362642 (VCV001362642.8), dbSNP rs2152614644, ClinGen allele CA2573141145.